The following is an entry in ClinVar:

NM_001100913.3(PACS2):c.1126G>A (p.Gly376Ser)

Gene: PACS2 (phosphofurin acidic cluster sorting protein 2; plus strand). Cytogenetic location: 14q32.33.
Variant type: single nucleotide variant.
Coding change: c.1126G>A on transcript NM_001100913.3 (MANE Select); coding-DNA position 1126, G replaced by A.
Protein change: p.Gly376Ser; replaces glycine 376 with serine.
Molecular consequence: missense variant.
Genome position (GRCh38, 1-based): chr14:105,380,957, G>A. VCF-style: chr14-105380957-G-A. GRCh37 (hg19) VCF-style: chr14-105847294-G-A.
Other names: c.901G>A, p.Gly301Ser (NM_001243127.3); c.1126G>A, p.Gly376Ser (NM_015197.4); short protein forms G301S, G376S.
Identifiers: ClinVar variation 3623182 (VCV003623182.2).
Genomic context (GRCh38, chr14:105,380,957, plus strand): 5'-AGAGGCCGCAGCACGGGTGTGGTTTCCACGGGAGGCTCCAGGCCCGTCTCTGCTCAGCAG[G>A]GTGTGCCAGGCCCGAGGGAGCACCCTGGACAGCCTGAGGACAGCCCCGAGGCTGAGGCCT-3'
Protein context (NP_001094383.2, residues 366-386): SDSVSDTVAL[Gly376Ser]VPGPREHPGQ

ClinVar aggregate classification (germline): Uncertain significance (1 of 4 stars; one submission).

gnomAD v4.1: 4 of 1,609,740 alleles (0.00025%); highest among the groups gnomAD compares: South Asian, 0.0044%; no homozygotes.

Submission:

Labcorp Genetics (formerly Invitae), Labcorp
Classification: Uncertain significance. Last evaluated: 2024-01-12. Review status: criteria provided, single submitter. Criteria: Invitae Variant Classification Sherloc (09022015). Collection method: clinical testing. Allele origin: germline.
Comment: This sequence change replaces glycine, which is neutral and non-polar, with serine, which is neutral and polar, at codon 376 of the PACS2 protein (p.Gly376Ser). This variant is present in population databases (rs782055140, gnomAD 0.007%). This variant has not been reported in the literature in individuals affected with PACS2-related conditions. Algorithms developed to predict the effect of missense changes on protein structure and function output the following: SIFT: "Not Available"; PolyPhen-2: "Benign"; Align-GVGD: "Not Available". The serine amino acid residue is found in multiple mammalian species, which suggests that this missense change does not adversely affect protein function. Algorithms developed to predict the effect of sequence changes on RNA splicing suggest that this variant may disrupt the consensus splice site. In summary, the available evidence is currently insufficient to determine the role of this variant in disease. Therefore, it has been classified as a Variant of Uncertain Significance.